The following is an entry in ClinVar:

ClinVar aggregate classification (germline): Uncertain significance. Review status: criteria provided, multiple submitters, no conflicts (2 of 4 stars). 2 submissions from 2 submitters: Uncertain significance (2). Last evaluated 2020-11-17.

Conditions:
Hereditary cancer-predisposing syndrome. Also called: Neoplastic Syndromes, Hereditary; Hereditary Cancer Syndrome; Tumor predisposition; Hereditary neoplastic syndrome. Identifiers: Orphanet 140162, MedGen C0027672, MeSH D009386, MONDO:0015356.
Ataxia-telangiectasia syndrome (AT). Also called: LOUIS-BAR SYNDROME; Cerebello-oculocutaneous telangiectasia; Immunodeficiency with ataxia telangiectasia; Ataxia-telangiectasia, complementation group D; AT, COMPLEMENTATION GROUP C; Ataxia-telangiectasia, complementation group E. Identifiers: Orphanet 100, MedGen C0004135, MONDO:0008840, OMIM 208900.

Submissions (2):

Ambry Genetics
Classification: Uncertain significance for Hereditary cancer-predisposing syndrome. Last evaluated: 2020-11-17. Review status: criteria provided, single submitter. Criteria: Ambry Variant Classification Scheme 2023. Collection method: clinical testing. Allele origin: germline.
Comment: The c.7958_7960delTTA variant (also known as p.I2653del) is located in coding exon 53 of the ATM gene. This variant results from an in-frame TTA deletion at nucleotide positions 7958 to 7960. This results in the in-frame deletion of an isoleucine at codon 2653. This amino acid position is highly conserved in available vertebrate species. In addition, this alteration is predicted to be deleterious by in silico analysis (Choi Y et al. PLoS ONE. 2012; 7(10):e46688). Since supporting evidence is limited at this time, the clinical significance of this alteration remains unclear.

Labcorp Genetics (formerly Invitae), Labcorp
Classification: Uncertain significance for Ataxia-telangiectasia syndrome. Last evaluated: 2019-07-18. Review status: criteria provided, single submitter. Criteria: Invitae Variant Classification Sherloc (09022015). Collection method: clinical testing. Allele origin: germline.
Comment: In summary, the available evidence is currently insufficient to determine the role of this variant in disease. Therefore, it has been classified as a Variant of Uncertain Significance. This variant, c.7958_7960del, results in the deletion of 1 amino acid(s) of the ATM protein (p.Ile2653del), but otherwise preserves the integrity of the reading frame. This variant is not present in population databases (ExAC no frequency). This variant has not been reported in the literature in individuals with ATM-related conditions. ClinVar contains an entry for this variant (Variation ID: 479004). Experimental studies and prediction algorithms are not available or were not evaluated for this variant, and the functional significance of the affected amino acid(s) is currently unknown.

NM_000051.4(ATM):c.7958_7960del (p.Ile2653del)

Genes: ATM (ATM serine/threonine kinase; plus strand), C11orf65 (chromosome 11 open reading frame 65; minus strand). Cytogenetic location: 11q22.3.
Variant type: Deletion.
Coding change: c.7958_7960del on transcript NM_000051.4 (MANE Select); coding-DNA positions 7958 to 7960, 3 bases deleted (TTA; older notation c.7958_7960delTTA).
Protein change: p.Ile2653del; deletes isoleucine 2653.
Molecular consequence: inframe deletion. On other transcripts: inframe indel (1), intron variant (2).
Genome position (GRCh38, 1-based): chr11:108,333,916-108,333,918, TTA deleted; deleting any 3 consecutive bases within chr11:108,333,915-108,333,918 gives the same sequence; the c. name uses the placement nearest the transcript's 3' end. VCF-style (leftmost placement, unchanged base first): chr11-108333914-AATT-A. GRCh37 (hg19) VCF-style: chr11-108204641-AATT-A.
Other names: c.7958_7960delTTA, p.Ile2653del (NM_000051.3); c.7958_7960del, p.Ile2653del (NM_001351834.2); c.641-24846_641-24844del (NM_001330368.2); c.*38+1303_*38+1305del (NM_001351110.2); short protein forms I2653del.
Identifiers: ClinVar variation 479004 (VCV000479004.16), dbSNP rs1555126226, ClinGen allele CA658656196.
Genomic context (GRCh38, chr11:108,333,914, plus strand): 5'-TGTCACTAAAATCTCTTCATTTTTAAATACAGAAGGCATAAATATTCCAGCAGACCAGCC[AATT>A]ACTAAACTTAAGAATTTAGAAGATGTTGTTGTCCCTACTATGGAAATTAAGGTAATTTGC-3'